The following is an entry in ClinVar:

ClinVar aggregate classification (germline): Uncertain significance (1 of 4 stars; one submission).

Submission:

Labcorp Genetics (formerly Invitae), Labcorp
Classification: Uncertain significance. Last evaluated: 2025-11-18. Review status: criteria provided, single submitter. Criteria: Invitae Variant Classification Sherloc (09022015). Collection method: clinical testing. Allele origin: germline.
Comment: This sequence change replaces glutamine, which is neutral and polar, with histidine, which is basic and polar, at codon 219 of the KCNJ13 protein (p.Gln219His). This variant is not present in population databases (gnomAD no frequency). This variant has not been reported in the literature in individuals affected with KCNJ13-related conditions. Invitae Evidence Modeling of protein sequence and biophysical properties (such as structural, functional, and spatial information, amino acid conservation, physicochemical variation, residue mobility, and thermodynamic stability) indicates that this missense variant is not expected to disrupt KCNJ13 protein function with a negative predictive value of 80%. In summary, the available evidence is currently insufficient to determine the role of this variant in disease. Therefore, it has been classified as a Variant of Uncertain Significance.

NM_002242.4(KCNJ13):c.657G>T (p.Gln219His)

Genes: GIGYF2 (GRB10 interacting GYF protein 2; plus strand), KCNJ13 (potassium inwardly rectifying channel subfamily J member 13; minus strand). Cytogenetic location: 2q37.1.
Variant type: single nucleotide variant.
Coding change: c.657G>T on transcript NM_002242.4 (MANE Select); coding-DNA position 657, G replaced by T.
Protein change: p.Gln219His; replaces glutamine 219 with histidine.
Molecular consequence: missense variant. On other transcripts: 3 prime UTR variant (1), intron variant (4).
Genome position (GRCh38, 1-based): chr2:232,768,617, C>A on the plus strand (G>T on the coding strand, the complement: KCNJ13 is on the minus strand). VCF-style: chr2-232768617-C-A. GRCh37 (hg19) VCF-style: chr2-233633327-C-A.
Other names: c.*136G>T (NM_001172416.1); c.417G>T, p.Gln139His (NM_001172417.1); c.532+7181C>A (NM_001103146.3, NM_015575.4, NM_001103147.2 and 1 more transcripts); short protein forms Q139H, Q219H.
Identifiers: ClinVar variation 4741456 (VCV004741456.1).